The following is an entry in ClinVar:

NM_001199107.2(TBC1D24):c.1302+138C>T

Gene: TBC1D24 (TBC1 domain family member 24; plus strand). Cytogenetic location: 16p13.3.
Variant type: single nucleotide variant.
Coding change: c.1302+138C>T on transcript NM_001199107.2 (MANE Select); 138 bases into the intron after coding-DNA position 1302, C replaced by T.
Molecular consequence: intron variant.
Genome position (GRCh38, 1-based): chr16:2,500,068, C>T. VCF-style: chr16-2500068-C-T. GRCh37 (hg19) VCF-style: chr16-2550069-C-T.
Other names: c.1284+138C>T (NM_020705.3).
Identifiers: ClinVar variation 677405 (VCV000677405.2), dbSNP rs9939054, ClinGen allele CA276809978.
Genomic context (GRCh38, chr16:2,500,068, plus strand): 5'-GGGACACTGTTGGGTGTCGCCATGGCAGTCACCCAGCAGCGTCATCGCCCTGTGTGCTTC[C>T]GGGTTTGATCATTCAGCCGTGCGCTGCTCCGGGGCAGGGGGCTTCATCTGCTCGAGCCAC-3'

ClinVar aggregate classification (germline): Benign. Review status: criteria provided, multiple submitters, no conflicts (2 of 4 stars). 2 submissions from 2 submitters: Benign (2). Last evaluated 2018-06-14.

Allele frequency attached by ClinVar (database versions not stated): gnomAD exomes 0.00222; gnomAD 0.02004 and 0.02136; 1000 Genomes Project 0.02097; 1000 Genomes Project 30x 0.02108; TOPMed 0.02235.
gnomAD v4.1: 5,028 of 971,590 alleles (0.52%); highest among the groups gnomAD compares: African/African-American, 6.7%; 153 homozygotes.

Submissions (2):

GeneDx
Classification: Benign. Last evaluated: 2018-06-14. Review status: criteria provided, single submitter. Criteria: GeneDx Variant Classification (06012015). Collection method: clinical testing. Allele origin: germline. Affected: yes.
Comment: This variant is considered likely benign or benign based on one or more of the following criteria: it is a conservative change, it occurs at a poorly conserved position in the protein, it is predicted to be benign by multiple in silico algorithms, and/or has population frequency not consistent with disease.

Breakthrough Genomics
Classification: Benign. Review status: criteria provided, single submitter. Criteria: ACMG Guidelines, 2015. Collection method: not provided. Allele origin: germline. Inheritance: Autosomal recessive inheritance. Affected: yes.